The following is an entry in ClinVar:

NC_012920.1(MT-CO1):m.5920G>A

Gene: MT-CO1 (mitochondrially encoded cytochrome c oxidase I; plus strand).
Variant type: single nucleotide variant.
Genome position: chrM-5920-G-A.
Other names: 5920G-A.
Identifiers: ClinVar variation 9669 (VCV000009669.2), dbSNP rs199476129, ClinGen allele CA120613.

ClinVar aggregate classification (germline): Likely pathogenic. Review status: reviewed by expert panel (3 of 4 stars). 2 submissions from 2 submitters: Likely pathogenic (1). 1 of the submissions does not count toward it. Last evaluated 2024-01-22.

Conditions:
Mitochondrial disease. Also called: Mitochondrial disorder; Mitochondrial disorders. Identifiers: Orphanet 68380, MedGen C0751651, MeSH D028361, MONDO:0044970.
Myoglobinuria, recurrent. Identifiers: Orphanet 99845, MedGen C1838877, MONDO:0010791, OMIM 550500, HP:0003652.

Submissions (2):

ClinGen Mitochondrial Disease Nuclear and Mitochondrial  Variant Curation Expert Panel, ClinGen
Classification: Likely pathogenic for Mitochondrial disease. Last evaluated: 2024-01-22. Review status: reviewed by expert panel. Criteria: McCormick et al. (Hum Mutat. 2020). Collection method: curation. Allele origin: germline. Inheritance: Mitochondrial inheritance.
Comment: His muscle biopsy showed scattered ragged red fibers (RRF) that stained intensely for SDH but not COX and numerous COX-negative/COX-deficient non-RRF. Immunohistochemistry showed markedly reduced immunostaining with antibodies to COX I and COX II, but normal reaction with antibodies to COX IV and COX VI. The variant was present at 61% heteroplasmy in muscle and was absent in blood and fibroblasts. As this is the only case reported to date, PS4 could not be applied. There are no additional reported de novo occurrences of this variant to our knowledge. Computational predictors are not applicable for this variant type precluding consideration for PP3 or BP4. This variant is absent in the GenBank dataset, Helix dataset, and gnomAD v3.1.2 (PM2_supporting). This variant results in loss of the last 507 amino acids (99% of the protein, PVS1_strong). Single fiber testing showed that the variant was present in all COX-deficient fibers (n=15) and that the mean mutation load in affected fibers was 65% (SD, 32.6%). The variant was only detected in six of 25 COX-positive fibers tested, and the mutational load in COX-positive fibers was 5% (SD, 11.2%; PS3_supporting; PMID: 10980727). In summary, this variant meets criteria to be classified as likely pathogenic for primary mitochondrial disease inherited in a mitochondrial manner. This classification was approved by the NICHD/NINDS U24 ClinGen Mitochondrial Disease Variant Curation Expert Panel on January 22, 2024. Mitochondrial DNA-specific ACMG/AMP criteria applied (PMID: 32906214): PM2_supporting, PS3_supporting, PVS1_strong.

OMIM
Classification: Pathogenic for MYOGLOBINURIA, RECURRENT. Last evaluated: 2000-09-12. Review status: no assertion criteria provided. Collection method: literature only. Allele origin: germline. Not counted in ClinVar's aggregate classification.

Literature cited by the submitters: PubMed 10980727 (cited by OMIM).